The following is an entry in ClinVar:

NM_004612.4(TGFBR1):c.52GCG[6] (p.Ala24_Ala26del)

Gene: TGFBR1 (transforming growth factor beta receptor 1; plus strand). Cytogenetic location: 9q22.33.
Variant type: Microsatellite.
Coding change: c.52GCG[6] on transcript NM_004612.4 (MANE Select); six copies in a row of the 3-base unit GCG starting at c.52; the reference has nine copies in a row; three copies, 9 bases deleted; also written c.70_78del.
Protein change: p.Ala24_Ala26del.
Molecular consequence: inframe deletion.
Genome position (GRCh38, 1-based): chr9:99,105,275-99,105,283, GCGGCGGCG deleted; deleting any 9 consecutive bases within chr9:99,105,256-99,105,283 gives the same sequence; the position shown is the placement nearest the transcript's 3' end. VCF-style (leftmost placement, unchanged base first): chr9-99105255-TGGCGGCGGC-T. GRCh37 (hg19) VCF-style: chr9-101867537-TGGCGGCGGC-T.
Other names: c.70_78delGCGGCGGCG (NM_004612.4, NM_004612.2, NM_004612.3); c.70_78del (NM_004612.4); c.52GCG[6], p.Ala24_Ala26del (NM_001130916.3, NM_001306210.2); c.51_59delGGCGGCGGC (NM_004612.2).
Identifiers: ClinVar variation 165381 (VCV000165381.50), dbSNP rs11466445, ClinGen allele CA008849.

ClinVar aggregate classification (germline): Benign/Likely benign. Review status: criteria provided, multiple submitters, no conflicts (2 of 4 stars). 16 submissions from 15 submitters: Benign (11); Likely benign (2). 3 of the submissions do not count toward it. Last evaluated 2026-02-04.

Conditions:
Familial thoracic aortic aneurysm and aortic dissection (TAAD). Also called: Thoracic aortic aneurysms and dissections. Identifiers: Orphanet 91387, MedGen C4707243, MONDO:0019625.
Loeys-Dietz syndrome (LDS). Identifiers: Orphanet 60030, MedGen C2697932, MONDO:0018954.
Thoracic aortic aneurysm. Also called: Aneurysm of thoracic aorta. Identifiers: MedGen C0162872, MONDO:0005396, HP:0012727.
Ehlers-Danlos syndrome (EDS). Identifiers: Orphanet 98249, MedGen C0013720, MONDO:0020066.
Loeys-Dietz syndrome 1 (LDS1). Also called: TGFBR1-Related Loeys-Dietz Syndrome; FURLONG SYNDROME; AORTIC ANEURYSM, FAMILIAL THORACIC 5. Identifiers: Orphanet 60030, MedGen C4551955, MONDO:0012212, OMIM 609192.

Submissions (16):

Labcorp Genetics (formerly Invitae), Labcorp
Classification: Benign for Familial thoracic aortic aneurysm and aortic dissection. Last evaluated: 2026-02-04. Review status: criteria provided, single submitter. Criteria: Invitae Variant Classification Sherloc (09022015). Collection method: clinical testing. Allele origin: germline.

ARUP Laboratories, Molecular Genetics and Genomics, ARUP Laboratories
Classification: Benign. Last evaluated: 2025-07-29. Review status: criteria provided, single submitter. Criteria: ARUP Molecular Germline Variant Investigation Process 2024. Collection method: clinical testing. Allele origin: germline.

Blueprint Genetics
Classification: Likely benign. Last evaluated: 2024-11-27. Review status: criteria provided, single submitter. Criteria: ACMG Guidelines, 2015. Collection method: clinical testing. Allele origin: germline.

Mayo Clinic Laboratories, Mayo Clinic
Classification: Benign. Last evaluated: 2023-06-20. Review status: criteria provided, single submitter. Criteria: ACMG Guidelines, 2015. Collection method: clinical testing. Allele origin: germline. Observed: 338 variant alleles.
Comment: BA1

Genome Diagnostics Laboratory, The Hospital for Sick Children
Classification: Benign for Ehlers-Danlos syndrome. Last evaluated: 2022-07-09. Review status: criteria provided, single submitter. Criteria: ACMG Guidelines, 2015. Collection method: clinical testing. Allele origin: germline.

GeneDx
Classification: Benign. Last evaluated: 2018-06-12. Review status: criteria provided, single submitter. Criteria: GeneDx Variant Classification (06012015). Collection method: clinical testing. Allele origin: germline. Affected: yes.
Comment: This variant is considered likely benign or benign based on one or more of the following criteria: it is a conservative change, it occurs at a poorly conserved position in the protein, it is predicted to be benign by multiple in silico algorithms, and/or has population frequency not consistent with disease.

Institute for Genomic Medicine (IGM) Clinical Laboratory, Nationwide Children's Hospital
Classification: Benign. Last evaluated: 2017-06-05. Review status: criteria provided, single submitter. Criteria: ACMG Guidelines, 2015. Collection method: clinical testing. Allele origin: germline.
Comment: BA1, BS1, BP3, BP6; This alteration has an allele frequency that is greater than 5% healthy populations (ExAC/gnomAD), has an allele frequency that is greater than expected for the associated disease, is an in-frame deletion/insertion in a repetitive region without a known function, and was reported as a benign/likely benign alteration by a reputable source (ClinVar or other correspondence from a clinical testing laboratory).

Eurofins Ntd Llc (ga)
Classification: Benign. Last evaluated: 2017-03-28. Review status: criteria provided, single submitter. Criteria: EGL Classification Definitions 2015. Collection method: clinical testing. Allele origin: germline. Observed: 27 variant alleles, 25 heterozygotes, 2 homozygotes.

Molecular Diagnostic Laboratory for Inherited Cardiovascular Disease, Montreal Heart Institute
Classification: Benign. Last evaluated: 2016-10-12. Review status: criteria provided, single submitter. Criteria: ACMG Guidelines, 2015. Collection method: clinical testing. Allele origin: germline. Affected: yes.

Genomic Diagnostic Laboratory, Division of Genomic Diagnostics, Children's Hospital of Philadelphia
Classification: Likely benign for Loeys-Dietz syndrome. Last evaluated: 2015-05-11. Review status: criteria provided, single submitter. Criteria: DGD Variant Analysis Guidelines. Collection method: clinical testing. Allele origin: unknown.

Laboratory for Molecular Medicine, Mass General Brigham Personalized Medicine
Classification: Benign. Last evaluated: 2015-03-03. Review status: criteria provided, single submitter. Criteria: LMM Criteria. Collection method: clinical testing. Allele origin: germline. Observed: 78 variant alleles.

Ambry Genetics
Classification: Benign for Familial thoracic aortic aneurysm and aortic dissection. Last evaluated: 2014-12-23. Review status: criteria provided, single submitter. Criteria: Ambry Variant Classification Scheme 2023. Collection method: clinical testing. Allele origin: germline.

PreventionGenetics, part of Exact Sciences
Classification: Benign. Review status: criteria provided, single submitter. Criteria: ACMG Guidelines, 2015. Collection method: clinical testing. Allele origin: germline.

Cohesion Phenomics
Classification: Benign for Thoracic aortic aneurysm. Last evaluated: 2022-09-23. Review status: no assertion criteria provided. Criteria: ACMG Guidelines, 2015. Collection method: clinical testing. Allele origin: germline. Affected: yes. Not counted in ClinVar's aggregate classification.

Knight Diagnostic Laboratories, Oregon Health and Sciences University
Classification: Uncertain significance for Loeys-Dietz syndrome, type 1A. Last evaluated: 2015-12-19. Review status: no assertion criteria provided. Criteria: ACMG Guidelines, 2015. Collection method: clinical testing. Allele origin: germline. Affected: no. Study: CSER-NextGen. Not counted in ClinVar's aggregate classification.

Ambry Genetics
Classification: Benign for Familial thoracic aortic aneurysm and aortic dissection. Last evaluated: 2013-02-21. Review status: flagged submission. Criteria: Ambry Autosomal Dominant and X-Linked criteria (10/2015). Collection method: clinical testing. Allele origin: germline. Observed: 1 variant allele. Not counted in ClinVar's aggregate classification.
ClinVar note: Reason: This record appears to be redundant with a more recent record from the same submitter.
ClinVar note: Notes: SCV000318488 appears to be redundant with SCV000317313.

Literature cited by the submitters: PubMed 15860866 (cited by Laboratory for Molecular Medicine, Mass General Brigham Personalized Medicine); PubMed 12947057 (cited by Laboratory for Molecular Medicine, Mass General Brigham Personalized Medicine); PubMed 14966109 (cited by Laboratory for Molecular Medicine, Mass General Brigham Personalized Medicine); PubMed 17575241 (cited by Laboratory for Molecular Medicine, Mass General Brigham Personalized Medicine); PubMed 17848956 (cited by Laboratory for Molecular Medicine, Mass General Brigham Personalized Medicine).